The following is an entry in ClinVar:

NM_000512.5(GALNS):c.731C>A (p.Pro244His)

Gene: GALNS (galactosamine (N-acetyl)-6-sulfatase; minus strand). Cytogenetic location: 16q24.3.
Variant type: single nucleotide variant.
Coding change: c.731C>A on transcript NM_000512.5 (MANE Select); coding-DNA position 731, C replaced by A.
Protein change: p.Pro244His; replaces proline 244 with histidine.
Molecular consequence: missense variant.
Genome position (GRCh38, 1-based): chr16:88,835,752, G>T on the plus strand (C>A on the coding strand, the complement: GALNS is on the minus strand). VCF-style: chr16-88835752-G-T. GRCh37 (hg19) VCF-style: chr16-88902160-G-T.
Other names: c.176C>A, p.Pro59His (NM_001323543.2); c.749C>A, p.Pro250His (NM_001323544.2); short protein forms P250H, P59H, P244H.
Identifiers: ClinVar variation 4261436 (VCV004261436.2).

ClinVar aggregate classification (germline): Uncertain significance. Review status: criteria provided, multiple submitters, no conflicts (2 of 4 stars). 2 submissions from 2 submitters: Uncertain significance (2). Last evaluated 2026-05-27.

Conditions:
GALNS-related disorder. Also called: GALNS-related condition.
Inborn genetic diseases. Identifiers: MedGen C0950123, MeSH D030342.

gnomAD v4.1: 2 of 1,614,008 alleles (0.00012%); highest among the groups gnomAD compares: Admixed American, 0.0033%; no homozygotes.

Submissions (2):

PreventionGenetics, part of Exact Sciences
Classification: Uncertain significance for GALNS-related condition. Last evaluated: 2026-05-27. Review status: criteria provided, single submitter. Criteria: ACMG Guidelines, 2015. Collection method: clinical testing. Allele origin: germline.
Comment: The GALNS c.731C>A variant is predicted to result in the amino acid substitution p.Pro244His. To our knowledge, this variant has not been reported in the literature. This variant is reported in 0.0029% of alleles in individuals of Latino descent in gnomAD. At this time, the clinical significance of this variant is uncertain due to the absence of conclusive functional and genetic evidence.

Ambry Genetics
Classification: Uncertain significance for Inborn genetic diseases. Last evaluated: 2025-08-25. Review status: criteria provided, single submitter. Criteria: Ambry Variant Classification Scheme 2023. Collection method: clinical testing. Allele origin: germline.